The following is an entry in ClinVar:

ClinVar aggregate classification (germline): Likely benign. Review status: criteria provided, multiple submitters, no conflicts (2 of 4 stars). 2 submissions from 2 submitters: Likely benign (2). Last evaluated 2025-01-30.

Conditions:
Bardet-Biedl syndrome (BBS). Identifiers: Orphanet 110, MedGen C0752166, MONDO:0015229.
BBS5-related disorder. Also called: BBS5-related condition.

Allele frequency attached by ClinVar (database versions not stated): TOPMed 0.00002.

Submissions (2):

PreventionGenetics, part of Exact Sciences
Classification: Likely benign for BBS5-related condition. Last evaluated: 2025-01-30. Review status: criteria provided, single submitter. Criteria: ACMG Guidelines, 2015. Collection method: clinical testing. Allele origin: germline.
Comment: This variant is classified as likely benign based on ACMG/AMP sequence variant interpretation guidelines (Richards et al. 2015 PMID: 25741868, with internal and published modifications).

Labcorp Genetics (formerly Invitae), Labcorp
Classification: Likely benign for Bardet-Biedl syndrome. Last evaluated: 2024-03-11. Review status: criteria provided, single submitter. Criteria: Invitae Variant Classification Sherloc (09022015). Collection method: clinical testing. Allele origin: germline.

NM_152384.3(BBS5):c.1023T>C (p.Ser341=)

Gene: BBS5 (Bardet-Biedl syndrome 5; plus strand). Cytogenetic location: 2q31.1.
Variant type: single nucleotide variant.
Coding change: c.1023T>C on transcript NM_152384.3 (MANE Select); coding-DNA position 1023, T replaced by C.
Protein change: p.Ser341=; no amino-acid change (serine 341 retained).
Molecular consequence: synonymous variant.
Genome position (GRCh38, 1-based): chr2:169,504,579, T>C. VCF-style: chr2-169504579-T-C. GRCh37 (hg19) VCF-style: chr2-170361089-T-C.
Other names: c.1023T>C (NM_152384.2).
Identifiers: ClinVar variation 1126860 (VCV001126860.10), dbSNP rs1488371231, ClinGen allele CA429928026.